The following is an entry in ClinVar:

NM_000287.4(PEX6):c.1313dup (p.Glu439fs)

Gene: PEX6 (peroxisomal biogenesis factor 6; minus strand). Cytogenetic location: 6p21.1.
Variant type: Duplication.
Coding change: c.1313dup on transcript NM_000287.4 (MANE Select); coding-DNA position 1313, one base duplicated (T; older notation c.1313dupT).
Protein change: p.Glu439fs; shifts the reading frame from glutamic acid 439.
Molecular consequence: frameshift variant. On other transcripts: non-coding transcript variant (1).
Genome position (GRCh38, 1-based): chr6:42,969,722, A duplicated on the plus strand (T on the coding strand, the reverse complement: PEX6 is on the minus strand). VCF-style (leftmost placement, unchanged base first): chr6-42969721-C-CA. GRCh37 (hg19) VCF-style: chr6-42937459-C-CA.
Other names: c.1049dup, p.Glu351fs (NM_001316313.2); c.1313dupT (NM_000287.3); short protein forms E351fs, E439fs.
Identifiers: ClinVar variation 1323439 (VCV001323439.9), dbSNP rs770055192, ClinGen allele CA3811371.

ClinVar aggregate classification (germline): Pathogenic. Review status: criteria provided, multiple submitters, no conflicts (2 of 4 stars). 3 submissions from 3 submitters: Pathogenic (3). Last evaluated 2025-06-25.

Conditions:
Zellweger spectrum disorders (ZS). Also called: Zellweger Spectrum Disorder; Zellweger Spectrum; Zellweger syndrome; Zellweger Spectrum Disorder (ZSD). Identifiers: Orphanet 912, MedGen C0043459, MONDO:0019609.
Peroxisome biogenesis disorder 4A (Zellweger) (PBD4A). Also called: Zellweger syndrome spectrum (PEX6-related). Identifiers: Orphanet 912, MedGen C3553936, MONDO:0013930, OMIM 614862. Disease mechanism: loss of function.
Peroxisome biogenesis disorder 4B (PBD4B). Also called: SPINOCEREBELLAR ATAXIA WITH BLINDNESS AND DEAFNESS 1. Identifiers: Orphanet 44, Orphanet 95433, MedGen C3553937, MONDO:0013931, OMIM 614863.
Heimler syndrome 2 (HMLR2). Also called: PEROXISOME BIOGENESIS DISORDER 4C. Identifiers: Orphanet 3220, MedGen C4225267, OMIM 616617, MONDO:0014709.
Peroxisome biogenesis disorder. Identifiers: Orphanet 79189, MedGen C1832200, MONDO:0019234. Disease mechanism: loss of function.

Allele frequency attached by ClinVar (database versions not stated): gnomAD exomes below 0.00001; TOPMed below 0.00001; ExAC 0.00001; gnomAD 0.00001.

Submissions (3):

Natera, Inc.
Classification: Pathogenic for Zellweger syndrome. Last evaluated: 2025-06-25. Review status: criteria provided, single submitter. Criteria: Natera Variant Classification Schema (03/2026). Collection method: clinical testing. Allele origin: germline.
Comment: The c.1313dupT variant in PEX6 is a frameshift variant predicted to shift the reading frame beginning at codon 439 and leads to a stop codon 6 codons downstream. This variant is expected to result in nonsense mediated decay, truncation, or a dysfunctional protein product. This variant is rare in the general population with a frequency below the threshold expected for the associated phenotype(s). This variant has been observed in one or more individuals affected with the associated recessive disease, as either homozygous or compound heterozygous with a second variant (PMID: 27779215). Given the available evidence, this variant is classified as Pathogenic.

Fulgent Genetics
Classification: Pathogenic for Peroxisome biogenesis disorder 4A (Zellweger); Peroxisome biogenesis disorder 4B; Heimler syndrome 2. Last evaluated: 2024-02-14. Review status: criteria provided, single submitter. Criteria: ACMG Guidelines, 2015. Collection method: clinical testing. Allele origin: germline.

Labcorp Genetics (formerly Invitae), Labcorp
Classification: Pathogenic for Peroxisome biogenesis disorder. Last evaluated: 2023-12-09. Review status: criteria provided, single submitter. Criteria: Invitae Variant Classification Sherloc (09022015). Collection method: clinical testing. Allele origin: germline.
Comment: This sequence change creates a premature translational stop signal (p.Glu439Glyfs*6) in the PEX6 gene. It is expected to result in an absent or disrupted protein product. Loss-of-function variants in PEX6 are known to be pathogenic (PMID: 10408779, 21031596, 31831025). This variant is present in population databases (rs770055192, gnomAD 0.006%). This premature translational stop signal has been observed in individual(s) with clinical features of Zellweger spectrum disorder (PMID: 27779215). ClinVar contains an entry for this variant (Variation ID: 1323439). For these reasons, this variant has been classified as Pathogenic.

Literature cited by the submitters: PubMed 27779215 (cited by Natera, Inc. and Labcorp Genetics (formerly Invitae), Labcorp); PubMed 10408779 (cited by Labcorp Genetics (formerly Invitae), Labcorp); PubMed 21031596 (cited by Labcorp Genetics (formerly Invitae), Labcorp); PubMed 31831025 (cited by Labcorp Genetics (formerly Invitae), Labcorp).